The following is an entry in ClinVar:

ClinVar aggregate classification (germline): Uncertain significance (1 of 4 stars; one submission).

Conditions:
Autosomal dominant epilepsy with auditory features. Identifiers: Orphanet 101046, MedGen C1838062, MONDO:0010898.

Submission:

Labcorp Genetics (formerly Invitae), Labcorp
Classification: Uncertain significance for Autosomal dominant epilepsy with auditory features. Last evaluated: 2023-12-24. Review status: criteria provided, single submitter. Criteria: Invitae Variant Classification Sherloc (09022015). Collection method: clinical testing. Allele origin: germline.
Comment: This sequence change replaces phenylalanine, which is neutral and non-polar, with isoleucine, which is neutral and non-polar, at codon 121 of the LGI1 protein (p.Phe121Ile). This variant is not present in population databases (gnomAD no frequency). This variant has not been reported in the literature in individuals affected with LGI1-related conditions. An algorithm developed to predict the effect of missense changes on protein structure and function (PolyPhen-2) suggests that this variant is likely to be disruptive. In summary, the available evidence is currently insufficient to determine the role of this variant in disease. Therefore, it has been classified as a Variant of Uncertain Significance.

NM_005097.4(LGI1):c.361T>A (p.Phe121Ile)

Gene: LGI1 (leucine rich glioma inactivated 1; plus strand). Cytogenetic location: 10q23.33.
Variant type: single nucleotide variant.
Coding change: c.361T>A on transcript NM_005097.4 (MANE Select); coding-DNA position 361, T replaced by A.
Protein change: p.Phe121Ile; replaces phenylalanine 121 with isoleucine.
Molecular consequence: missense variant. On other transcripts: intron variant (1).
Genome position (GRCh38, 1-based): chr10:93,777,547, T>A. VCF-style: chr10-93777547-T-A. GRCh37 (hg19) VCF-style: chr10-95537304-T-A.
Other names: c.361T>A, p.Phe121Ile (NM_001308275.2); c.288-12552T>A (NM_001308276.2); short protein forms F121I.
Identifiers: ClinVar variation 2751259 (VCV002751259.3), dbSNP rs2492860427, ClinGen allele CA377620918.